The following is an entry in ClinVar:

ClinVar aggregate classification (germline): Uncertain significance. Review status: criteria provided, multiple submitters, no conflicts (2 of 4 stars). 2 submissions from 2 submitters: Uncertain significance (2). Last evaluated 2023-10-14.

Conditions:
Primary dilated cardiomyopathy (DCM). Also called: Dilated Cardiomyopathy. Identifiers: Orphanet 217604, MedGen C0007193, MeSH D002311, MONDO:0005021, HP:0001644. Inheritance: Various modes of inheritance.
Hypertrophic cardiomyopathy. Also called: HYPERTROPHIC MYOCARDIOPATHY. Identifiers: Orphanet 217569, MedGen C0007194, MeSH D002312, MONDO:0005045, HP:0001639.

Allele frequency attached by ClinVar (database versions not stated): TOPMed below 0.00001; gnomAD 0.00001; gnomAD exomes 0.00002 and 0.00004; ExAC 0.00005.

Submissions (2):

Labcorp Genetics (formerly Invitae), Labcorp
Classification: Uncertain significance for Hypertrophic cardiomyopathy; Primary dilated cardiomyopathy. Last evaluated: 2023-10-14. Review status: criteria provided, single submitter. Criteria: Invitae Variant Classification Sherloc (09022015). Collection method: clinical testing. Allele origin: germline.
Comment: This sequence change replaces serine, which is neutral and polar, with leucine, which is neutral and non-polar, at codon 231 of the PDLIM3 protein (p.Ser231Leu). This variant is present in population databases (rs777812739, gnomAD 0.02%). This variant has not been reported in the literature in individuals affected with PDLIM3-related conditions. ClinVar contains an entry for this variant (Variation ID: 1408896). Advanced modeling of protein sequence and biophysical properties (such as structural, functional, and spatial information, amino acid conservation, physicochemical variation, residue mobility, and thermodynamic stability) performed at Invitae indicates that this missense variant is expected to disrupt PDLIM3 protein function. In summary, the available evidence is currently insufficient to determine the role of this variant in disease. Therefore, it has been classified as a Variant of Uncertain Significance.

Revvity Omics, Revvity
Classification: Uncertain significance. Last evaluated: 2021-04-26. Review status: criteria provided, single submitter. Criteria: ACMG Guidelines, 2015. Collection method: clinical testing. Allele origin: germline.

NM_014476.6(PDLIM3):c.692C>T (p.Ser231Leu)

Gene: PDLIM3 (PDZ and LIM domain 3; minus strand). Cytogenetic location: 4q35.1.
Variant type: single nucleotide variant.
Coding change: c.692C>T on transcript NM_014476.6 (MANE Select); coding-DNA position 692, C replaced by T.
Protein change: p.Ser231Leu; replaces serine 231 with leucine.
Molecular consequence: missense variant. On other transcripts: non-coding transcript variant (1).
Genome position (GRCh38, 1-based): chr4:185,506,623, G>A on the plus strand (C>T on the coding strand, the complement: PDLIM3 is on the minus strand). VCF-style: chr4-185506623-G-A. GRCh37 (hg19) VCF-style: chr4-186427777-G-A.
Other names: c.548C>T, p.Ser183Leu (NM_001114107.5); c.428C>T, p.Ser143Leu (NM_001257962.2); c.191C>T, p.Ser64Leu (NM_001257963.2); c.692C>T (NM_014476.5); short protein forms S64L, S231L, S143L, S183L.
Identifiers: ClinVar variation 1408896 (VCV001408896.8), dbSNP rs777812739, ClinGen allele CA3159723.